The following is an entry in ClinVar:

NM_006206.6(PDGFRA):c.2077T>C (p.Phe693Leu)

Gene: PDGFRA (platelet derived growth factor receptor alpha; plus strand). Cytogenetic location: 4q12.
Variant type: single nucleotide variant.
Coding change: c.2077T>C on transcript NM_006206.6 (MANE Select); coding-DNA position 2077, T replaced by C.
Protein change: p.Phe693Leu; replaces phenylalanine 693 with leucine.
Molecular consequence: missense variant.
Genome position (GRCh38, 1-based): chr4:54,278,436, T>C. VCF-style: chr4-54278436-T-C. GRCh37 (hg19) VCF-style: chr4-55144603-T-C.
Other names: c.2077T>C, p.Phe693Leu (NM_001347827.2, NM_001347829.2); c.2152T>C, p.Phe718Leu (NM_001347828.2); c.2116T>C, p.Phe706Leu (NM_001347830.2); short protein forms F706L, F693L, F718L.
Identifiers: ClinVar variation 3416415 (VCV003416415.1).

ClinVar aggregate classification (germline): Uncertain significance (1 of 4 stars; one submission).

Conditions:
Hereditary cancer-predisposing syndrome. Also called: Neoplastic Syndromes, Hereditary; Tumor predisposition; Hereditary Cancer Syndrome; Hereditary neoplastic syndrome. Identifiers: Orphanet 140162, MedGen C0027672, MeSH D009386, MONDO:0015356.

Submission:

Ambry Genetics
Classification: Uncertain significance for Hereditary cancer-predisposing syndrome. Last evaluated: 2024-08-30. Review status: criteria provided, single submitter. Criteria: Ambry Variant Classification Scheme 2023. Collection method: clinical testing. Allele origin: germline.
Comment: The p.F693L variant (also known as c.2077T>C), located in coding exon 14 of the PDGFRA gene, results from a T to C substitution at nucleotide position 2077. The phenylalanine at codon 693 is replaced by leucine, an amino acid with highly similar properties. This amino acid position is conserved. In addition, this alteration is predicted to be deleterious by in silico analysis. Based on the available evidence, the clinical significance of this variant remains unclear.